The following is an entry in ClinVar:

NM_001378454.1(ALMS1):c.167C>G (p.Ser56Cys)

Gene: ALMS1 (ALMS1 centrosome and basal body associated protein; plus strand). Cytogenetic location: 2p13.1.
Variant type: single nucleotide variant.
Coding change: c.167C>G on transcript NM_001378454.1 (MANE Select); coding-DNA position 167, C replaced by G.
Protein change: p.Ser56Cys; replaces serine 56 with cysteine.
Molecular consequence: missense variant.
Genome position (GRCh38, 1-based): chr2:73,386,035, C>G. VCF-style: chr2-73386035-C-G. GRCh37 (hg19) VCF-style: chr2-73613163-C-G.
Other names: c.170C>G, p.Ser57Cys (NM_015120.4); short protein forms S57C, S56C.
Identifiers: ClinVar variation 1383626 (VCV001383626.7), dbSNP rs2104058882, ClinGen allele CA347250745.

ClinVar aggregate classification (germline): Uncertain significance. Review status: criteria provided, multiple submitters, no conflicts (2 of 4 stars). 2 submissions from 2 submitters: Uncertain significance (2). Last evaluated 2025-12-30.

Conditions:
Cardiovascular phenotype. Identifiers: MedGen CN230736.
Alstrom syndrome (ALMS). Identifiers: Orphanet 64, MedGen C0268425, MONDO:0008763, OMIM 203800.

Submissions (2):

Ambry Genetics
Classification: Uncertain significance for Cardiovascular phenotype. Last evaluated: 2025-12-30. Review status: criteria provided, single submitter. Criteria: Ambry Variant Classification Scheme 2023. Collection method: clinical testing. Allele origin: germline.
Comment: The p.S57C variant (also known as c.170C>G), located in coding exon 1 of the ALMS1 gene, results from a C to G substitution at nucleotide position 170. The serine at codon 57 is replaced by cysteine, an amino acid with dissimilar properties. This amino acid position is not well conserved in available vertebrate species. In addition, this alteration is predicted to be tolerated by in silico analysis. Based on the available evidence, the clinical significance of this variant remains unclear.

Labcorp Genetics (formerly Invitae), Labcorp
Classification: Uncertain significance for Alstrom syndrome. Last evaluated: 2024-04-22. Review status: criteria provided, single submitter. Criteria: Invitae Variant Classification Sherloc (09022015). Collection method: clinical testing. Allele origin: germline.
Comment: This sequence change replaces serine with cysteine at codon 57 of the ALMS1 protein (p.Ser57Cys). The serine residue is weakly conserved and there is a moderate physicochemical difference between serine and cysteine. This variant is not present in population databases (gnomAD no frequency). This variant has not been reported in the literature in individuals affected with ALMS1-related conditions. ClinVar contains an entry for this variant (Variation ID: 1383626). Experimental studies and prediction algorithms are not available or were not evaluated, and the functional significance of this variant is currently unknown. In summary, the available evidence is currently insufficient to determine the role of this variant in disease. Therefore, it has been classified as a Variant of Uncertain Significance.